The following is an entry in ClinVar:

ClinVar aggregate classification (germline): Likely benign (1 of 4 stars; one submission).

Conditions:
Hirschsprung disease, susceptibility to, 3. Identifiers: Orphanet 388, MedGen C3150974, MONDO:0013383, OMIM 613711.

Allele frequency attached by ClinVar (database versions not stated): 1000 Genomes Project 0.00040; 1000 Genomes Project 30x 0.00078; TOPMed 0.00251; gnomAD 0.00946; gnomAD exomes 0.01278.
gnomAD v4.1: 813 of 153,026 alleles (0.53%); highest among the groups gnomAD compares: Non-Finnish European, 0.6%; 14 homozygotes.

Submission:

Illumina Laboratory Services, Illumina
Classification: Likely benign for Hirschsprung disease, susceptibility to, 3. Last evaluated: 2018-01-13. Review status: criteria provided, single submitter. Criteria: ICSL Variant Classification Criteria 13 December 2019. Collection method: clinical testing. Allele origin: germline.
Comment: This variant was observed in the ICSL laboratory as part of a predisposition screen in an ostensibly healthy population. It had not been previously curated by ICSL or reported in the Human Gene Mutation Database (HGMD: prior to June 1st, 2018), and was therefore a candidate for classification through an automated scoring system. Utilizing variant allele frequency, disease prevalence and penetrance estimates, and inheritance mode, an automated score was calculated to assess if this variant is too frequent to cause the disease. Based on the score and internal cut-off values, a variant classified as likely benign is not then subjected to further curation. The score for this variant resulted in a classification of likely benign for this disease.

NM_000514.4(GDNF):c.*1693G>T

Gene: GDNF (glial cell derived neurotrophic factor; minus strand). Cytogenetic location: 5p13.2.
Variant type: single nucleotide variant.
Coding change: c.*1693G>T on transcript NM_000514.4 (MANE Select); 1693 bases downstream of the stop codon, G replaced by T.
Molecular consequence: 3 prime UTR variant.
Genome position (GRCh38, 1-based): chr5:37,813,958, C>A on the plus strand (G>T on the coding strand, the complement: GDNF is on the minus strand). VCF-style: chr5-37813958-C-A. GRCh37 (hg19) VCF-style: chr5-37814060-C-A.
Other names: c.*1693G>T (NM_001190468.1, NM_001190469.1, NM_001278098.1 and 1 more transcripts).
Identifiers: ClinVar variation 353489 (VCV000353489.5), dbSNP rs188617599, ClinGen allele CA10621773.